The following is an entry in ClinVar:

NM_022095.4(ZNF335):c.2253+3A>G

Gene: ZNF335 (zinc finger protein 335; minus strand). Cytogenetic location: 20q13.12.
Variant type: single nucleotide variant.
Coding change: c.2253+3A>G on transcript NM_022095.4 (MANE Select); 3 bases into the intron after coding-DNA position 2253, A replaced by G.
Molecular consequence: intron variant.
Genome position (GRCh38, 1-based): chr20:45,959,198, T>C on the plus strand (A>G on the coding strand, the complement: ZNF335 is on the minus strand). VCF-style: chr20-45959198-T-C. GRCh37 (hg19) VCF-style: chr20-44587837-T-C.
Identifiers: ClinVar variation 437346 (VCV000437346.10), dbSNP rs200995811, ClinGen allele CA9885443.
Genomic context (GRCh38, chr20:45,959,198, plus strand): 5'-AATGATGCTGGGGCTGGGAGAAGCGGCCTCACTCTGTCATCCTGACCCATGCCCCGACCT[T>C]ACCTCAGGAGGTCCTGGGGAACTGGGAGGTGGTCCAGGGGCCGCACTGTGCTGCTGCTTC-3'

ClinVar aggregate classification (germline): Uncertain significance. Review status: criteria provided, multiple submitters, no conflicts (2 of 4 stars). 2 submissions from 2 submitters: Uncertain significance (2). Last evaluated 2022-10-13.

Allele frequency attached by ClinVar (database versions not stated): ExAC 0.00002; gnomAD exomes 0.00002; TOPMed 0.00003; gnomAD 0.00004.
gnomAD v4.1: 35 of 1,366,028 alleles (0.0026%); highest among the groups gnomAD compares: Admixed American, 0.0029%; no homozygotes.

Submissions (2):

Labcorp Genetics (formerly Invitae), Labcorp
Classification: Uncertain significance. Last evaluated: 2022-10-13. Review status: criteria provided, single submitter. Criteria: Invitae Variant Classification Sherloc (09022015). Collection method: clinical testing. Allele origin: germline.
Comment: This variant is present in population databases (rs200995811, gnomAD 0.1%). This sequence change falls in intron 15 of the ZNF335 gene. It does not directly change the encoded amino acid sequence of the ZNF335 protein. It affects a nucleotide within the consensus splice site. This variant has not been reported in the literature in individuals affected with ZNF335-related conditions. ClinVar contains an entry for this variant (Variation ID: 437346). Variants that disrupt the consensus splice site are a relatively common cause of aberrant splicing (PMID: 17576681, 9536098). Algorithms developed to predict the effect of sequence changes on RNA splicing suggest that this variant is not likely to affect RNA splicing. In summary, the available evidence is currently insufficient to determine the role of this variant in disease. Therefore, it has been classified as a Variant of Uncertain Significance.

Genetic Services Laboratory, University of Chicago
Classification: Uncertain significance. Last evaluated: 2015-08-13. Review status: criteria provided, single submitter. Criteria: ACMG Guidelines, 2015. Collection method: clinical testing. Allele origin: germline. Affected: no.

Literature cited by the submitters: PubMed 17576681 (cited by Labcorp Genetics (formerly Invitae), Labcorp); PubMed 9536098 (cited by Labcorp Genetics (formerly Invitae), Labcorp).